The following is an entry in ClinVar:

NM_006767.4(LZTR1):c.1306C>G (p.Leu436Val)

Gene: LZTR1 (leucine zipper like post translational regulator 1; plus strand). Cytogenetic location: 22q11.21.
Variant type: single nucleotide variant.
Coding change: c.1306C>G on transcript NM_006767.4 (MANE Select); coding-DNA position 1306, C replaced by G.
Protein change: p.Leu436Val; replaces leucine 436 with valine.
Molecular consequence: missense variant.
Genome position (GRCh38, 1-based): chr22:20,993,707, C>G. VCF-style: chr22-20993707-C-G. GRCh37 (hg19) VCF-style: chr22-21347996-C-G.
Other names: short protein forms L436V.
Identifiers: ClinVar variation 2782441 (VCV002782441.3), dbSNP rs2518619987, ClinGen allele CA410774482.
Genomic context (GRCh38, chr22:20,993,707, plus strand): 5'-GGGCCCCTCTTGCAGTTCTCCTGTTACCCTAAATGCACGCTGCACGAGGACTACGGGCGG[C>G]TGTGGGAGAGCCGCCAGTTCTGCGACGTGGAGTTCGTGCTGGGTGAGGTGGGTGCCTGTC-3'
Protein context (NP_006758.2, residues 426-446): KCTLHEDYGR[Leu436Val]WESRQFCDVE

ClinVar aggregate classification (germline): Uncertain significance (1 of 4 stars; one submission).

Submission:

Labcorp Genetics (formerly Invitae), Labcorp
Classification: Uncertain significance. Last evaluated: 2023-10-03. Review status: criteria provided, single submitter. Criteria: Invitae Variant Classification Sherloc (09022015). Collection method: clinical testing. Allele origin: germline.
Comment: This sequence change replaces leucine, which is neutral and non-polar, with valine, which is neutral and non-polar, at codon 436 of the LZTR1 protein (p.Leu436Val). This variant is not present in population databases (gnomAD no frequency). This variant has not been reported in the literature in individuals affected with LZTR1-related conditions. Advanced modeling of protein sequence and biophysical properties (such as structural, functional, and spatial information, amino acid conservation, physicochemical variation, residue mobility, and thermodynamic stability) performed at Invitae indicates that this missense variant is not expected to disrupt LZTR1 protein function. In summary, the available evidence is currently insufficient to determine the role of this variant in disease. Therefore, it has been classified as a Variant of Uncertain Significance.